The following is an entry in ClinVar:

NM_198253.3(TERT):c.566A>G (p.His189Arg)

Gene: TERT (telomerase reverse transcriptase; minus strand). Cytogenetic location: 5p15.33.
Variant type: single nucleotide variant.
Coding change: c.566A>G on transcript NM_198253.3 (MANE Select); coding-DNA position 566, A replaced by G.
Protein change: p.His189Arg; replaces histidine 189 with arginine.
Molecular consequence: missense variant. On other transcripts: non-coding transcript variant (2).
Genome position (GRCh38, 1-based): chr5:1,294,320, T>C on the plus strand (A>G on the coding strand, the complement: TERT is on the minus strand). VCF-style: chr5-1294320-T-C. GRCh37 (hg19) VCF-style: chr5-1294435-T-C.
Other names: c.566A>G, p.His189Arg (NM_001193376.3); short protein forms H189R.
Identifiers: ClinVar variation 658163 (VCV000658163.11), dbSNP rs769638625, ClinGen allele CA3184956.

ClinVar aggregate classification (germline): Conflicting classifications of pathogenicity. Review status: criteria provided, conflicting classifications (1 of 4 stars). 2 submissions from 2 submitters: Uncertain significance (1); Likely benign (1). Last evaluated 2023-10-03.

Conditions:
Dyskeratosis congenita. Identifiers: Orphanet 1775, MedGen C0265965, MONDO:0015780.
Dyskeratosis congenita, autosomal dominant 2. Identifiers: MedGen C3151443, MONDO:0013521, OMIM 613989.
Idiopathic Pulmonary Fibrosis. Also called: Idiopathic fibrosing alveolitis, chronic form; idiopathic fibrosing alveolitis. Identifiers: Orphanet 2032, MedGen C1800706, MeSH D054990, MONDO:0800504.

Allele frequency attached by ClinVar (database versions not stated): ExAC below 0.00001; gnomAD 0.00001; TOPMed 0.00002.
gnomAD v4.1: 3 of 1,589,364 alleles (0.00019%); highest among the groups gnomAD compares: African/African-American, 0.004%; no homozygotes.

Submissions (2):

Labcorp Genetics (formerly Invitae), Labcorp
Classification: Likely benign for Dyskeratosis congenita, autosomal dominant 2; Idiopathic Pulmonary Fibrosis. Last evaluated: 2023-10-03. Review status: criteria provided, single submitter. Criteria: Invitae Variant Classification Sherloc (09022015). Collection method: clinical testing. Allele origin: germline.

Ambry Genetics
Classification: Uncertain significance for Dyskeratosis congenita. Last evaluated: 2022-03-16. Review status: criteria provided, single submitter. Criteria: Ambry Variant Classification Scheme 2023. Collection method: clinical testing. Allele origin: germline.
Comment: The p.H189R variant (also known as c.566A>G), located in coding exon 2 of the TERT gene, results from an A to G substitution at nucleotide position 566. The histidine at codon 189 is replaced by arginine, an amino acid with highly similar properties. This amino acid position is conserved. In addition, this alteration is predicted to be tolerated by in silico analysis. Since supporting evidence is limited at this time, the clinical significance of this alteration remains unclear.